The following is an entry in ClinVar:

NM_006164.5(NFE2L2):c.1496G>A (p.Arg499Gln)

Gene: NFE2L2 (NFE2 like bZIP transcription factor 2; minus strand). Cytogenetic location: 2q31.2.
Variant type: single nucleotide variant.
Coding change: c.1496G>A on transcript NM_006164.5 (MANE Select); coding-DNA position 1496, G replaced by A.
Protein change: p.Arg499Gln; replaces arginine 499 with glutamine.
Molecular consequence: missense variant.
Genome position (GRCh38, 1-based): chr2:177,231,107, C>T on the plus strand (G>A on the coding strand, the complement: NFE2L2 is on the minus strand). VCF-style: chr2-177231107-C-T. GRCh37 (hg19) VCF-style: chr2-178095835-C-T.
Other names: c.1448G>A, p.Arg483Gln (NM_001145412.3, NM_001313900.1, NM_001313901.1); c.1427G>A, p.Arg476Gln (NM_001145413.3); c.1406G>A, p.Arg469Gln (NM_001313902.2); c.1277G>A, p.Arg426Gln (NM_001313903.2); c.1196G>A, p.Arg399Gln (NM_001313904.1); short protein forms R426Q, R476Q, R483Q, R469Q, R399Q, R499Q.
Identifiers: ClinVar variation 3667748 (VCV003667748.2).

ClinVar aggregate classification (germline): Uncertain significance (1 of 4 stars; one submission).

Submission:

Labcorp Genetics (formerly Invitae), Labcorp
Classification: Uncertain significance. Last evaluated: 2024-02-03. Review status: criteria provided, single submitter. Criteria: Invitae Variant Classification Sherloc (09022015). Collection method: clinical testing. Allele origin: germline.
Comment: This sequence change replaces arginine, which is basic and polar, with glutamine, which is neutral and polar, at codon 499 of the NFE2L2 protein (p.Arg499Gln). This variant is present in population databases (rs752627827, gnomAD 0.006%). This variant has not been reported in the literature in individuals affected with NFE2L2-related conditions. Advanced modeling of protein sequence and biophysical properties (such as structural, functional, and spatial information, amino acid conservation, physicochemical variation, residue mobility, and thermodynamic stability) performed at Invitae indicates that this missense variant is expected to disrupt NFE2L2 protein function with a positive predictive value of 80%. In summary, the available evidence is currently insufficient to determine the role of this variant in disease. Therefore, it has been classified as a Variant of Uncertain Significance.